The following is an entry in ClinVar:

ClinVar aggregate classification (germline): Likely pathogenic. Review status: criteria provided, multiple submitters, no conflicts (2 of 4 stars). 4 submissions from 4 submitters: Likely pathogenic (3). 1 of the submissions does not count toward it. Last evaluated 2025-04-14.

Conditions:
Spasticity-ataxia-gait anomalies syndrome. Also called: Spasticity, childhood-onset, with hyperglycinemia. Identifiers: Orphanet 401866, MedGen C4225178, MONDO:0014803, OMIM 616859.

Submissions (4):

Labcorp Genetics (formerly Invitae), Labcorp
Classification: Likely pathogenic. Last evaluated: 2025-04-14. Review status: criteria provided, single submitter. Criteria: Invitae Variant Classification Sherloc (09022015). Collection method: clinical testing. Allele origin: germline.
Comment: This variant, c.151_153del, results in the deletion of 1 amino acid(s) of the GLRX5 protein (p.Lys51del), but otherwise preserves the integrity of the reading frame. This variant is present in population databases (rs758724838, gnomAD 0.02%). This variant has been observed in individuals with non-ketotic hyperglycinemia (PMID: 24334290, 34054912, 34732213). ClinVar contains an entry for this variant (Variation ID: 224512). Algorithms developed to predict the effect of variants on gene product structure and function are not available or were not evaluated for this variant. Experimental studies have shown that this variant affects GLRX5 function (PMID: 26100117). In summary, the currently available evidence indicates that the variant is pathogenic, but additional data are needed to prove that conclusively. Therefore, this variant has been classified as Likely Pathogenic.

Institute of Medical Genetics and Genomics, Sir Ganga Ram Hospital
Classification: Likely pathogenic for Spasticity-ataxia-gait anomalies syndrome. Last evaluated: 2024-12-13. Review status: criteria provided, single submitter. Criteria: ACMG Guidelines, 2015. Collection method: clinical testing. Allele origin: germline. Inheritance: Autosomal recessive inheritance. Affected: yes. Observed: 1 homozygote.
Comment: The identified in frame homozygous deletion of three bases in GLRX5 gene results in deletion of lysine at position 51 with preservation of reading frame. This variant is not present in homozygote state in normal population database thus fulfilling PM2.It has also been previously reported in 2 unrelated girls of Lebanese descent with childhood-onset spasticity with hyperglycinemia in clinvar with variation ID: 224512 and PMID: 26100117 hence based on available evidence this variant is classified as likely pathogenic

Revvity Omics, Revvity
Classification: Likely pathogenic. Last evaluated: 2024-09-05. Review status: criteria provided, single submitter. Criteria: ACMG Guidelines, 2015. Collection method: clinical testing. Allele origin: germline.

OMIM
Classification: Pathogenic for SPASTICITY, CHILDHOOD-ONSET, WITH HYPERGLYCINEMIA. Last evaluated: 2016-03-17. Review status: no assertion criteria provided. Collection method: literature only. Allele origin: germline. Not counted in ClinVar's aggregate classification.

Literature cited by the submitters: PubMed 24334290 (cited by Labcorp Genetics (formerly Invitae), Labcorp and OMIM); PubMed 34054912 (cited by Labcorp Genetics (formerly Invitae), Labcorp); PubMed 34732213 (cited by Labcorp Genetics (formerly Invitae), Labcorp); PubMed 26100117 (cited by 3 submitters).

NM_016417.3(GLRX5):c.148AAG[1] (p.Lys51del)

Gene: GLRX5 (glutaredoxin 5; plus strand). Cytogenetic location: 14q32.13.
Variant type: Microsatellite.
Coding change: c.148AAG[1] on transcript NM_016417.3 (MANE Select); one copy of the 3-base unit AAG starting at c.148; the reference has two copies in a row; one copy, 3 bases deleted; also written c.151_153del.
Protein change: p.Lys51del; deletes lysine 51.
Molecular consequence: inframe deletion.
Genome position (GRCh38, 1-based): chr14:95,535,240-95,535,242, AAG deleted; deleting any 3 consecutive bases within chr14:95,535,236-95,535,242 gives the same sequence; the position shown is the placement nearest the transcript's 3' end. VCF-style (leftmost placement, unchanged base first): chr14-95535235-TGAA-T. GRCh37 (hg19) VCF-style: chr14-96001572-TGAA-T.
Other names: c.151_153del (NM_016417.3); short protein forms K51del.
Identifiers: ClinVar variation 224512 (VCV000224512.6), dbSNP rs869320757, ClinGen allele CA358726.